The following is an entry in ClinVar:

ClinVar aggregate classification (germline): Pathogenic (1 of 4 stars; one submission).

Conditions:
Neurofibromatosis, type 1 (NF1). Also called: Neurofibromatosis, type I; VON RECKLINGHAUSEN DISEASE; NEUROFIBROMATOSIS, TYPE I, SOMATIC; Peripheral type neurofibromatosis. Identifiers: Orphanet 636, MedGen C0027831, MONDO:0018975, OMIM 162200. Disease mechanism: loss of function.

Submission:

Labcorp Genetics (formerly Invitae), Labcorp
Classification: Pathogenic for Neurofibromatosis, type 1. Last evaluated: 2022-05-28. Review status: criteria provided, single submitter. Criteria: Invitae Variant Classification Sherloc (09022015). Collection method: clinical testing. Allele origin: germline.
Comment: This sequence change creates a premature translational stop signal (p.Ala431Glyfs*8) in the NF1 gene. It is expected to result in an absent or disrupted protein product. Loss-of-function variants in NF1 are known to be pathogenic (PMID: 10712197, 23913538). This variant is not present in population databases (gnomAD no frequency). This variant has not been reported in the literature in individuals affected with NF1-related conditions. ClinVar contains an entry for this variant (Variation ID: 1454354). For these reasons, this variant has been classified as Pathogenic.

Literature cited by the submitters: PubMed 10712197; PubMed 23913538.

NM_001042492.3(NF1):c.1291dup (p.Ala431fs)

Gene: NF1 (neurofibromin 1; plus strand). Cytogenetic location: 17q11.2.
Variant type: Duplication.
Coding change: c.1291dup on transcript NM_001042492.3 (MANE Select); coding-DNA position 1291, one base duplicated (G; older notation c.1291dupG).
Protein change: p.Ala431fs; shifts the reading frame from alanine 431.
Molecular consequence: frameshift variant.
Genome position (GRCh38, 1-based): chr17:31,206,270, G duplicated. VCF-style (leftmost placement, unchanged base first): chr17-31206269-T-TG. GRCh37 (hg19) VCF-style: chr17-29533287-T-TG.
Other names: c.1291dup, p.Ala431Glyfs (NM_000267.4); c.1291dup, p.Ala431fs (NM_001128147.3); short protein forms A431fs.
Identifiers: ClinVar variation 1454354 (VCV001454354.6), dbSNP rs2143913948, ClinGen allele CA2573153611.